The following is an entry in ClinVar:

ClinVar aggregate classification (germline): Uncertain significance (1 of 4 stars; one submission).

Conditions:
Hereditary cancer-predisposing syndrome. Also called: Neoplastic Syndromes, Hereditary; Tumor predisposition; Hereditary Cancer Syndrome; Hereditary neoplastic syndrome. Identifiers: Orphanet 140162, MedGen C0027672, MeSH D009386, MONDO:0015356.

Allele frequency attached by ClinVar (database versions not stated): gnomAD exomes below 0.00001.
gnomAD v4.1: 1 of 1,611,200 alleles (0.000062%); highest among the groups gnomAD compares: Admixed American, 0.0017%; no homozygotes.

Submission:

Ambry Genetics
Classification: Uncertain significance for Hereditary cancer-predisposing syndrome. Last evaluated: 2022-01-13. Review status: criteria provided, single submitter. Criteria: Ambry Variant Classification Scheme 2023. Collection method: clinical testing. Allele origin: germline.
Comment: The p.T158N variant (also known as c.473C>A), located in coding exon 4 of the NBN gene, results from a C to A substitution at nucleotide position 473. The threonine at codon 158 is replaced by asparagine, an amino acid with similar properties. This amino acid position is highly conserved in available vertebrate species. In addition, the in silico prediction for this alteration is inconclusive. Since supporting evidence is limited at this time, the clinical significance of this alteration remains unclear.

NM_002485.5(NBN):c.473C>A (p.Thr158Asn)

Gene: NBN (nibrin; minus strand). Cytogenetic location: 8q21.3.
Variant type: single nucleotide variant.
Coding change: c.473C>A on transcript NM_002485.5 (MANE Select); coding-DNA position 473, C replaced by A.
Protein change: p.Thr158Asn; replaces threonine 158 with asparagine.
Molecular consequence: missense variant.
Genome position (GRCh38, 1-based): chr8:89,980,741, G>T on the plus strand (C>A on the coding strand, the complement: NBN is on the minus strand). VCF-style: chr8-89980741-G-T. GRCh37 (hg19) VCF-style: chr8-90992969-G-T.
Other names: c.227C>A, p.Thr76Asn (NM_001024688.3); short protein forms T158N, T76N.
Identifiers: ClinVar variation 483942 (VCV000483942.5), dbSNP rs1271849120, ClinGen allele CA371661488.
Genomic context (GRCh38, chr8:89,980,741, plus strand): 5'-AGCTTAAATTCAAATAACTTATTTTTAACATAAGAACAAGACATTCAACCTACTTTAATG[G>T]TAACTTTCACTGATACCATGACAAGGTGAGTGCATTCTTCTGTCCAATTGTTTACAGTAA-3'
Protein context (NP_002476.2, residues 148-168): THLVMVSVKV[Thr158Asn]IKTICALICG